The following is an entry in ClinVar:

NM_001123385.2(BCOR):c.4981C>T (p.Arg1661Ter)

Gene: BCOR (BCL6 corepressor; minus strand). Cytogenetic location: Xp11.4.
Variant type: single nucleotide variant.
Coding change: c.4981C>T on transcript NM_001123385.2 (MANE Select); coding-DNA position 4981, C replaced by T.
Protein change: p.Arg1661Ter; replaces arginine 1661 with a stop codon.
Molecular consequence: nonsense.
Genome position (GRCh38, 1-based): chrX:40,052,396, G>A on the plus strand (C>T on the coding strand, the complement: BCOR is on the minus strand). VCF-style: chrX-40052396-G-A. GRCh37 (hg19) VCF-style: chrX-39911649-G-A.
Other names: c.4879C>T, p.Arg1627Ter (NM_001123383.2, NM_017745.6); c.4825C>T, p.Arg1609Ter (NM_001123384.2); short protein forms R1661*, R1609*, R1627*.
Identifiers: ClinVar variation 655742 (VCV000655742.10), dbSNP rs755680047, ClinGen allele CA412733040.

ClinVar aggregate classification (germline): Conflicting classifications of pathogenicity. Review status: criteria provided, conflicting classifications (1 of 4 stars). 2 submissions from 2 submitters: Pathogenic (1); Uncertain significance (1). Last evaluated 2020-12-08.

Conditions:
Oculofaciocardiodental syndrome (MCOPS2). Identifiers: Orphanet 2712, MedGen C1846265, MONDO:0010261, OMIM 300166.

Submissions (2):

Institute of Human Genetics Munich, TUM University Hospital
Classification: Pathogenic for Oculofaciocardiodental syndrome. Last evaluated: 2020-12-08. Review status: criteria provided, single submitter. Criteria: Classification criteria August 2017. Collection method: clinical testing. Allele origin: de novo. Inheritance: X-linked inheritance. Affected: yes. Observed: 1 variant allele.

Labcorp Genetics (formerly Invitae), Labcorp
Classification: Uncertain significance for Oculofaciocardiodental syndrome. Last evaluated: 2018-08-27. Review status: criteria provided, single submitter. Criteria: Invitae Variant Classification Sherloc (09022015). Collection method: clinical testing. Allele origin: germline.
Comment: This sequence change results in a premature translational stop signal in the BCOR gene (p.Arg1627*). While this is not anticipated to result in nonsense mediated decay, it is expected to disrupt the last 95 amino acids of the BCOR protein. This variant is not present in population databases (ExAC no frequency). This variant has not been reported in the literature in individuals with BCOR-related disease. In summary, the available evidence is currently insufficient to determine the role of this variant in disease. Therefore, it has been classified as a Variant of Uncertain Significance. Experimental studies and prediction algorithms are not available for this variant, and the functional significance of the affected amino acid(s) is currently unknown.